The following is an entry in ClinVar:

NM_017636.4(TRPM4):c.35C>A (p.Pro12His)

Gene: TRPM4 (transient receptor potential cation channel subfamily M member 4; plus strand). Cytogenetic location: 19q13.33.
Variant type: single nucleotide variant.
Coding change: c.35C>A on transcript NM_017636.4 (MANE Select); coding-DNA position 35, C replaced by A.
Protein change: p.Pro12His; replaces proline 12 with histidine.
Molecular consequence: missense variant. On other transcripts: 5 prime UTR variant (3).
Genome position (GRCh38, 1-based): chr19:49,158,202, C>A. VCF-style: chr19-49158202-C-A. GRCh37 (hg19) VCF-style: chr19-49661459-C-A.
Other names: c.35C>A, p.Pro12His (NM_001195227.2, NM_001321281.2); c.-1338C>A (NM_001321282.2); c.-132C>A (NM_001321283.2); c.-295C>A (NM_001321285.2); short protein forms P12H.
Identifiers: ClinVar variation 4696108 (VCV004696108.1).

ClinVar aggregate classification (germline): Uncertain significance (1 of 4 stars; one submission).

Conditions:
Progressive familial heart block type IB (PFHB1B). Identifiers: Orphanet 871, MedGen C1970298, MONDO:0011474, OMIM 604559.

Submission:

Labcorp Genetics (formerly Invitae), Labcorp
Classification: Uncertain significance for Progressive familial heart block type IB. Last evaluated: 2025-03-18. Review status: criteria provided, single submitter. Criteria: Invitae Variant Classification Sherloc (09022015). Collection method: clinical testing. Allele origin: germline.
Comment: This sequence change replaces proline, which is neutral and non-polar, with histidine, which is basic and polar, at codon 12 of the TRPM4 protein (p.Pro12His). This variant is not present in population databases (gnomAD no frequency). This variant has not been reported in the literature in individuals affected with TRPM4-related conditions. An algorithm developed to predict the effect of missense changes on protein structure and function (PolyPhen-2) suggests that this variant is likely to be disruptive. In summary, the available evidence is currently insufficient to determine the role of this variant in disease. Therefore, it has been classified as a Variant of Uncertain Significance.